The following is an entry in ClinVar:

NC_000007.14:g.117479592G>A

Genes: CFTR (CF transmembrane conductance regulator; plus strand), LOC111674463 (CFTR promoter region; plus strand). Cytogenetic location: 7q31.2.
Variant type: single nucleotide variant.
Genome position: GRCh38 VCF-style: chr7-117479592-G-A. GRCh37 (hg19) VCF-style: chr7-117119646-G-A.
Identifiers: ClinVar variation 3054540 (VCV003054540.2), dbSNP rs992706998, ClinGen allele CA2740097511.

ClinVar aggregate classification (germline): Likely benign (0 of 4 stars; one submission).

Conditions:
CFTR-related disorder (CFTR-RD). Also called: CFTR-related condition; CFTR-related disorders. Identifiers: MedGen C5924204, MONDO:7770004.

Submission:

PreventionGenetics, part of Exact Sciences
Classification: Likely benign for CFTR-related condition. Last evaluated: 2023-08-09. Review status: no assertion criteria provided. Collection method: clinical testing. Allele origin: germline.
Comment: This variant is classified as likely benign based on ACMG/AMP sequence variant interpretation guidelines (Richards et al. 2015 PMID: 25741868, with internal and published modifications).